The following is an entry in ClinVar:

ClinVar aggregate classification (germline): Uncertain significance (1 of 4 stars; one submission).

Conditions:
Wiedemann-Steiner syndrome (WDSTS). Also called: Growth deficiency and mental retardation with facial dysmorphism. Identifiers: Orphanet 319182, MedGen C1854630, MONDO:0011518, OMIM 605130.

Submission:

Juno Genomics, Hangzhou Juno Genomics, Inc
Classification: Uncertain significance for Wiedemann-Steiner syndrome. Review status: criteria provided, single submitter. Criteria: ACMG Guidelines, 2015. Collection method: clinical testing. Allele origin: germline.
Comment: Missense variant in a gene that has a low rate of benign missense variation.;Multiple lines of computational evidence support a deleterious effect on the gene or gene product.;Absent from controls (or at extremely low frequency if recessive) in Genome Aggregation Database.

NM_001197104.2(KMT2A):c.11293G>A (p.Gly3765Ser)

Genes: KMT2A (lysine methyltransferase 2A; plus strand), TTC36-AS1 (TTC36 and KMT2A antisense RNA 1; minus strand). Cytogenetic location: 11q23.3.
Variant type: single nucleotide variant.
Coding change: c.11293G>A on transcript NM_001197104.2 (MANE Select); coding-DNA position 11293, G replaced by A.
Protein change: p.Gly3765Ser; replaces glycine 3765 with serine.
Molecular consequence: missense variant.
Genome position (GRCh38, 1-based): chr11:118,519,764, G>A. VCF-style: chr11-118519764-G-A. GRCh37 (hg19) VCF-style: chr11-118390479-G-A.
Other names: c.11383G>A, p.Gly3795Ser (NM_001412597.1); c.11284G>A, p.Gly3762Ser (NM_005933.4); short protein forms G3762S, G3765S, G3795S.
Identifiers: ClinVar variation 5007792 (VCV005007792.2).
Genomic context (GRCh38, chr11:118,519,764, plus strand): 5'-AATTACAAATTCCGTTTCCACAAGCCAGAGGAGGCCAATGAACCCCCCTTGAACCCTCAC[G>A]GCTCAGCCAGGGCTGAAGTCCACCTCAGGCAAGTTCCCTTCTTTTCTGTCAGCAGTTTTG-3'
Protein context (NP_001184033.1, residues 3755-3775): EANEPPLNPH[Gly3765Ser]SARAEVHLRK